The following is an entry in ClinVar:

NM_022367.4(SEMA4A):c.2209C>T (p.Gln737Ter)

Gene: SEMA4A (semaphorin 4A; plus strand). Cytogenetic location: 1q22.
Variant type: single nucleotide variant.
Coding change: c.2209C>T on transcript NM_022367.4 (MANE Select); coding-DNA position 2209, C replaced by T.
Protein change: p.Gln737Ter; replaces glutamine 737 with a stop codon.
Molecular consequence: nonsense.
Genome position (GRCh38, 1-based): chr1:156,176,920, C>T. VCF-style: chr1-156176920-C-T. GRCh37 (hg19) VCF-style: chr1-156146711-C-T.
Other names: c.2209C>T, p.Gln737Ter (NM_001193300.2, NM_001193301.2, NM_001370567.1); c.1813C>T, p.Gln605Ter (NM_001193302.2); c.1912C>T, p.Gln638Ter (NM_001370568.1); c.1702C>T, p.Gln568Ter (NM_001370569.1, NM_001370571.1); short protein forms Q638*, Q737*, Q568*, Q605*.
Identifiers: ClinVar variation 1043219 (VCV001043219.6), dbSNP rs1655403672, ClinGen allele CA342813869.

ClinVar aggregate classification (germline): Uncertain significance (1 of 4 stars; one submission).

Submission:

Labcorp Genetics (formerly Invitae), Labcorp
Classification: Uncertain significance. Last evaluated: 2022-07-06. Review status: criteria provided, single submitter. Criteria: Invitae Variant Classification Sherloc (09022015). Collection method: clinical testing. Allele origin: germline.
Comment: Experimental studies and prediction algorithms are not available or were not evaluated, and the functional significance of this variant is currently unknown. In summary, the available evidence is currently insufficient to determine the role of this variant in disease. Therefore, it has been classified as a Variant of Uncertain Significance. ClinVar contains an entry for this variant (Variation ID: 1043219). This variant has not been reported in the literature in individuals affected with SEMA4A-related conditions. This variant is not present in population databases (gnomAD no frequency). This sequence change creates a premature translational stop signal (p.Gln737*) in the SEMA4A gene. While this is not anticipated to result in nonsense mediated decay, it is expected to disrupt the last 25 amino acid(s) of the SEMA4A protein.